The following is an entry in ClinVar:

ClinVar aggregate classification (germline): Uncertain significance. Review status: criteria provided, multiple submitters, no conflicts (2 of 4 stars). 2 submissions from 2 submitters: Uncertain significance (2). Last evaluated 2023-12-06.

Allele frequency attached by ClinVar (database versions not stated): gnomAD 0.00001; TOPMed 0.00001; gnomAD exomes 0.00002; ExAC 0.00005; ESP Exome Variant Server 0.00008.
gnomAD v4.1: 22 of 1,614,042 alleles (0.0014%); highest among the groups gnomAD compares: Middle Eastern, 0.049%; no homozygotes.

Submissions (2):

Labcorp Genetics (formerly Invitae), Labcorp
Classification: Uncertain significance. Last evaluated: 2023-12-06. Review status: criteria provided, single submitter. Criteria: Invitae Variant Classification Sherloc (09022015). Collection method: clinical testing. Allele origin: germline.
Comment: This sequence change replaces asparagine, which is neutral and polar, with serine, which is neutral and polar, at codon 566 of the SPART protein (p.Asn566Ser). This variant is present in population databases (rs370102453, gnomAD 0.007%). This variant has not been reported in the literature in individuals affected with SPART-related conditions. ClinVar contains an entry for this variant (Variation ID: 287213). Advanced modeling of protein sequence and biophysical properties (such as structural, functional, and spatial information, amino acid conservation, physicochemical variation, residue mobility, and thermodynamic stability) performed at Invitae indicates that this missense variant is not expected to disrupt SPART protein function with a negative predictive value of 80%. In summary, the available evidence is currently insufficient to determine the role of this variant in disease. Therefore, it has been classified as a Variant of Uncertain Significance.

Eurofins Ntd Llc (ga)
Classification: Uncertain significance. Last evaluated: 2016-04-29. Review status: criteria provided, single submitter. Criteria: EGL Classification Definitions 2015. Collection method: clinical testing. Allele origin: germline. Observed: 1 variant allele, 1 heterozygote.

NM_015087.5(SPART):c.1697A>G (p.Asn566Ser)

Gene: SPART (spartin; minus strand). Cytogenetic location: 13q13.3.
Variant type: single nucleotide variant.
Coding change: c.1697A>G on transcript NM_015087.5 (MANE Select); coding-DNA position 1697, A replaced by G.
Protein change: p.Asn566Ser; replaces asparagine 566 with serine.
Molecular consequence: missense variant.
Genome position (GRCh38, 1-based): chr13:36,312,181, T>C on the plus strand (A>G on the coding strand, the complement: SPART is on the minus strand). VCF-style: chr13-36312181-T-C. GRCh37 (hg19) VCF-style: chr13-36886318-T-C.
Other names: c.1697A>G, p.Asn566Ser (NM_001142294.2, NM_001142295.2, NM_001142296.2); short protein forms N566S.
Identifiers: ClinVar variation 287213 (VCV000287213.14), dbSNP rs370102453, ClinGen allele CA6949318.